The following is an entry in ClinVar:

NM_002485.5(NBN):c.472A>T (p.Thr158Ser)

Gene: NBN (nibrin; minus strand). Cytogenetic location: 8q21.3.
Variant type: single nucleotide variant.
Coding change: c.472A>T on transcript NM_002485.5 (MANE Select); coding-DNA position 472, A replaced by T.
Protein change: p.Thr158Ser; replaces threonine 158 with serine.
Molecular consequence: missense variant.
Genome position (GRCh38, 1-based): chr8:89,980,742, T>A on the plus strand (A>T on the coding strand, the complement: NBN is on the minus strand). VCF-style: chr8-89980742-T-A. GRCh37 (hg19) VCF-style: chr8-90992970-T-A.
Other names: c.226A>T, p.Thr76Ser (NM_001024688.3); short protein forms T76S, T158S.
Identifiers: ClinVar variation 1522855 (VCV001522855.6), dbSNP rs2129908259, ClinGen allele CA371661490.

ClinVar aggregate classification (germline): Uncertain significance (1 of 4 stars; one submission).

Conditions:
Microcephaly, normal intelligence and immunodeficiency (NBS). Also called: SEEMANOVA SYNDROME II; Ataxia telangiectasia variant V1; BERLIN BREAKAGE SYNDROME; Immunodeficiency, microcephaly with normal intelligence; Nijmegen breakage syndrome; Microcephaly with normal intelligence immunodeficiency and lymphoreticular malignancies. Identifiers: Orphanet 647, MedGen C0398791, MONDO:0009623, OMIM 251260.

Submission:

Labcorp Genetics (formerly Invitae), Labcorp
Classification: Uncertain significance for Microcephaly, normal intelligence and immunodeficiency. Last evaluated: 2024-06-24. Review status: criteria provided, single submitter. Criteria: Invitae Variant Classification Sherloc (09022015). Collection method: clinical testing. Allele origin: germline.
Comment: This sequence change replaces threonine, which is neutral and polar, with serine, which is neutral and polar, at codon 158 of the NBN protein (p.Thr158Ser). This variant is not present in population databases (gnomAD no frequency). This variant has not been reported in the literature in individuals affected with NBN-related conditions. ClinVar contains an entry for this variant (Variation ID: 1522855). An algorithm developed to predict the effect of missense changes on protein structure and function (PolyPhen-2) suggests that this variant is likely to be disruptive. In summary, the available evidence is currently insufficient to determine the role of this variant in disease. Therefore, it has been classified as a Variant of Uncertain Significance.